The following is an entry in ClinVar:

NM_000548.5(TSC2):c.4747G>C (p.Glu1583Gln)

Gene: TSC2 (TSC complex subunit 2; plus strand). Cytogenetic location: 16p13.3.
Variant type: single nucleotide variant.
Coding change: c.4747G>C on transcript NM_000548.5 (MANE Select); coding-DNA position 4747, G replaced by C.
Protein change: p.Glu1583Gln; replaces glutamic acid 1583 with glutamine.
Molecular consequence: missense variant. On other transcripts: non-coding transcript variant (5).
Genome position (GRCh38, 1-based): chr16:2,086,277, G>C. VCF-style: chr16-2086277-G-C. GRCh37 (hg19) VCF-style: chr16-2136278-G-C.
Other names: c.4546G>C, p.Glu1516Gln (NM_001077183.3); c.4678G>C, p.Glu1560Gln (NM_001114382.3); c.4438G>C, p.Glu1480Gln (NM_001318827.2); c.4402G>C, p.Glu1468Gln (NM_001318829.2); c.4015G>C, p.Glu1339Gln (NM_001318831.2); c.4579G>C, p.Glu1527Gln (NM_001318832.2); c.4549G>C, p.Glu1517Gln (NM_001363528.2); c.4615G>C, p.Glu1539Gln (NM_001370404.1); and 26 more; short protein forms E1112Q, E1339Q, E1360Q, E1468Q, E1547Q, E1560Q, E1582Q, E1316Q.
Identifiers: ClinVar variation 2859726 (VCV002859726.3), dbSNP rs886039446, ClinGen allele CA394307712.

ClinVar aggregate classification (germline): Uncertain significance (1 of 4 stars; one submission).

Conditions:
Tuberous sclerosis 2 (TSC2). Identifiers: Orphanet 805, MedGen C1860707, MONDO:0013199, OMIM 613254.

gnomAD v4.1: 1 of 1,612,854 alleles (0.000062%); highest among the groups gnomAD compares: Non-Finnish European, 0.000085%; no homozygotes.

Submission:

Labcorp Genetics (formerly Invitae), Labcorp
Classification: Uncertain significance for Tuberous sclerosis 2. Last evaluated: 2023-04-27. Review status: criteria provided, single submitter. Criteria: Invitae Variant Classification Sherloc (09022015). Collection method: clinical testing. Allele origin: germline.
Comment: In summary, the available evidence is currently insufficient to determine the role of this variant in disease. Therefore, it has been classified as a Variant of Uncertain Significance. Advanced modeling of protein sequence and biophysical properties (such as structural, functional, and spatial information, amino acid conservation, physicochemical variation, residue mobility, and thermodynamic stability) performed at Invitae indicates that this missense variant is not expected to disrupt TSC2 protein function. This variant has not been reported in the literature in individuals affected with TSC2-related conditions. This variant is not present in population databases (gnomAD no frequency). This sequence change replaces glutamic acid, which is acidic and polar, with glutamine, which is neutral and polar, at codon 1583 of the TSC2 protein (p.Glu1583Gln).